The following is an entry in ClinVar:

ClinVar aggregate classification (germline): Likely benign. Review status: criteria provided, single submitter (1 of 4 stars). 2 submissions from 2 submitters: Likely benign (1). 1 of the submissions does not count toward it. Last evaluated 2023-12-01.

Conditions:
BCORL1-related disorder. Also called: BCORL1-related condition.

Allele frequency attached by ClinVar (database versions not stated): TOPMed 0.00013; gnomAD 0.00015; 1000 Genomes Project 30x 0.00021; gnomAD exomes 0.00022; 1000 Genomes Project 0.00026; ESP Exome Variant Server 0.00028; ExAC 0.00029.
gnomAD v4.1: 265 of 1,209,525 alleles (0.022%); highest among the groups gnomAD compares: Non-Finnish European, 0.027%; no homozygotes.

Submissions (2):

CeGaT Center for Human Genetics Tuebingen
Classification: Likely benign. Last evaluated: 2023-12-01. Review status: criteria provided, single submitter. Criteria: CeGaT Center For Human Genetics Tuebingen Variant Classification Criteria Version 2. Collection method: clinical testing. Allele origin: germline. Affected: yes. Observed: 1 variant allele.
Comment: BCORL1: BP4, BP7, BS2

PreventionGenetics, part of Exact Sciences
Classification: Likely benign for BCORL1-related condition. Last evaluated: 2019-08-09. Review status: no assertion criteria provided. Collection method: clinical testing. Allele origin: germline. Not counted in ClinVar's aggregate classification.
Comment: This variant is classified as likely benign based on ACMG/AMP sequence variant interpretation guidelines (Richards et al. 2015 PMID: 25741868, with internal and published modifications).

NM_001379451.1(BCORL1):c.4656C>T (p.His1552=)

Gene: BCORL1 (BCL6 corepressor like 1; plus strand). Cytogenetic location: Xq26.1.
Variant type: single nucleotide variant.
Coding change: c.4656C>T on transcript NM_001379451.1 (MANE Select); coding-DNA position 4656, C replaced by T.
Protein change: p.His1552=; no amino-acid change (histidine 1552 retained).
Molecular consequence: synonymous variant.
Genome position (GRCh38, 1-based): chrX:130,037,495, C>T. VCF-style: chrX-130037495-C-T. GRCh37 (hg19) VCF-style: chrX-129171470-C-T.
Other names: c.4656C>T, p.His1552= (NM_001184772.3, NM_001379450.1); c.4434C>T, p.His1478= (NM_021946.5).
Identifiers: ClinVar variation 3025500 (VCV003025500.22), dbSNP rs145672322, ClinGen allele CA10514699.